The following is an entry in ClinVar:

ClinVar aggregate classification (germline): Uncertain significance (1 of 4 stars; one submission).

Conditions:
IFT74-related disorder. Also called: IFT74-related condition; IFT74-Related Disorders.

Submission:

PreventionGenetics, part of Exact Sciences
Classification: Uncertain significance for IFT74-related condition. Last evaluated: 2025-10-13. Review status: criteria provided, single submitter. Criteria: ACMG Guidelines, 2015. Collection method: clinical testing. Allele origin: germline.
Comment: The IFT74 c.1792A>G variant is predicted to result in the amino acid substitution p.Ser598Gly. To our knowledge, this variant has not been reported in the literature or in a large population database (gnomAD), indicating this variant is rare. At this time, the clinical significance of this variant is uncertain due to the absence of conclusive functional and genetic evidence.

NM_025103.4(IFT74):c.1792A>G (p.Ser598Gly)

Gene: IFT74 (intraflagellar transport 74; plus strand). Cytogenetic location: 9p21.2.
Variant type: single nucleotide variant.
Coding change: c.1792A>G on transcript NM_025103.4 (MANE Select); coding-DNA position 1792, A replaced by G.
Protein change: p.Ser598Gly; replaces serine 598 with glycine.
Molecular consequence: missense variant. On other transcripts: 3 prime UTR variant (1).
Genome position (GRCh38, 1-based): chr9:27,062,725, A>G. VCF-style: chr9-27062725-A-G. GRCh37 (hg19) VCF-style: chr9-27062723-A-G.
Other names: c.1792A>G, p.Ser598Gly (NM_001099222.3, NM_001099223.3); c.*728A>G (NM_001349928.2); short protein forms S598G.
Identifiers: ClinVar variation 4990831 (VCV004990831.1).